The following is an entry in ClinVar:

ClinVar aggregate classification (germline): Uncertain significance. Review status: criteria provided, multiple submitters, no conflicts (2 of 4 stars). 2 submissions from 2 submitters: Uncertain significance (2). Last evaluated 2025-05-15.

Conditions:
Hereditary cancer-predisposing syndrome. Also called: Neoplastic Syndromes, Hereditary; Hereditary Cancer Syndrome; Tumor predisposition; Hereditary neoplastic syndrome. Identifiers: Orphanet 140162, MedGen C0027672, MeSH D009386, MONDO:0015356.
Lynch syndrome. Identifiers: Orphanet 144, MedGen C4552100, MONDO:0005835. Disease mechanism: loss of function.

Submissions (2):

Ambry Genetics
Classification: Uncertain significance for Hereditary cancer-predisposing syndrome. Last evaluated: 2025-05-15. Review status: criteria provided, single submitter. Criteria: Ambry Variant Classification Scheme 2023. Collection method: clinical testing. Allele origin: germline.
Comment: The p.K161N variant (also known as c.483G>C), located in coding exon 3 of the MSH6 gene, results from a G to C substitution at nucleotide position 483. The lysine at codon 161 is replaced by asparagine, an amino acid with similar properties. This amino acid position is conserved. In addition, this alteration is predicted to be tolerated by in silico analysis. Based on the available evidence, the clinical significance of this variant remains unclear.

All of Us Research Program, National Institutes of Health
Classification: Uncertain significance for Lynch syndrome. Last evaluated: 2024-08-13. Review status: criteria provided, single submitter. Criteria: ACMG Guidelines, 2015. Collection method: clinical testing. Allele origin: germline. Inheritance: Autosomal dominant inheritance. Observed: 1 variant allele, 1 heterozygote.
Comment: This missense variant replaces lysine with asparagine at codon 161 of the MSH6 protein. Computational prediction suggests that this variant may not impact protein structure and function (internally defined REVEL score threshold <= 0.5, PMID: 27666373). To our knowledge, functional studies have not been reported for this variant. This variant has not been reported in individuals affected with MSH6-related disorders in the literature. This variant has not been identified in the general population by the Genome Aggregation Database (gnomAD). The available evidence is insufficient to determine the role of this variant in disease conclusively. Therefore, this variant is classified as a Variant of Uncertain Significance.

This study involves interpretation of variants in research participants for the purpose of population health screening. Participant phenotype was not available at the time of variant classification. Additional details can be found in publication PMID: 35346344, PMCID: PMC8962531

NM_000179.3(MSH6):c.483G>C (p.Lys161Asn)

Gene: MSH6 (mutS homolog 6; plus strand). Cytogenetic location: 2p16.3.
Variant type: single nucleotide variant.
Coding change: c.483G>C on transcript NM_000179.3 (MANE Select); coding-DNA position 483, G replaced by C.
Protein change: p.Lys161Asn; replaces lysine 161 with asparagine.
Molecular consequence: missense variant. On other transcripts: 5 prime UTR variant (5), non-coding transcript variant (5), intron variant (8).
Genome position (GRCh38, 1-based): chr2:47,795,919, G>C. VCF-style: chr2-47795919-G-C. GRCh37 (hg19) VCF-style: chr2-48023058-G-C.
Other names: c.-420G>C (NM_001281494.2); c.579G>C, p.Lys193Asn (NM_001406795.1, NM_001406802.1); c.483G>C, p.Lys161Asn (NM_001406796.1, NM_001406798.1, NM_001406800.1 and 5 more transcripts); c.186G>C, p.Lys62Asn (NM_001406797.1, NM_001406801.1, NM_001406805.1 and 10 more transcripts); c.-43G>C (NM_001406799.1, NM_001406806.1, NM_001406807.1); c.405G>C, p.Lys135Asn (NM_001406804.1); c.489G>C, p.Lys163Asn (NM_001406813.1); c.-512G>C (NM_001406814.1); and 3 more; short protein forms K105N, K135N, K161N, K163N, K193N, K62N.
Identifiers: ClinVar variation 3387054 (VCV003387054.2).